The following is an entry in ClinVar:

ClinVar aggregate classification (germline): Uncertain significance (1 of 4 stars; one submission).

Conditions:
Neuronal ceroid lipofuscinosis. Also called: Neuronal Ceroid Lipofuscinoses. Identifiers: Orphanet 216, Orphanet 79263, MedGen C0027877, MONDO:0016295. Disease mechanism: loss of function.

Allele frequency attached by ClinVar (database versions not stated): gnomAD exomes below 0.00001; gnomAD 0.00001; TOPMed 0.00001.
gnomAD v4.1: 4 of 1,606,182 alleles (0.00025%); highest among the groups gnomAD compares: Non-Finnish European, 0.00026%; no homozygotes.

Submission:

Labcorp Genetics (formerly Invitae), Labcorp
Classification: Uncertain significance for Neuronal ceroid lipofuscinosis. Last evaluated: 2022-08-22. Review status: criteria provided, single submitter. Criteria: Invitae Variant Classification Sherloc (09022015). Collection method: clinical testing. Allele origin: germline.
Comment: This sequence change falls in intron 3 of the CTSD gene. It does not directly change the encoded amino acid sequence of the CTSD protein. This variant is not present in population databases (gnomAD no frequency). This variant has not been reported in the literature in individuals affected with CTSD-related conditions. ClinVar contains an entry for this variant (Variation ID: 1407994). Algorithms developed to predict the effect of sequence changes on RNA splicing suggest that this variant may disrupt the consensus splice site. In summary, the available evidence is currently insufficient to determine the role of this variant in disease. Therefore, it has been classified as a Variant of Uncertain Significance.

NM_001909.5(CTSD):c.353-7G>A

Gene: CTSD (cathepsin D; minus strand). Cytogenetic location: 11p15.5.
Variant type: single nucleotide variant.
Coding change: c.353-7G>A on transcript NM_001909.5 (MANE Select); 7 bases into the intron before coding-DNA position 353, G replaced by A.
Molecular consequence: intron variant.
Genome position (GRCh38, 1-based): chr11:1,759,094, C>T on the plus strand (G>A on the coding strand, the complement: CTSD is on the minus strand). VCF-style: chr11-1759094-C-T. GRCh37 (hg19) VCF-style: chr11-1780324-C-T.
Identifiers: ClinVar variation 1407994 (VCV001407994.3), dbSNP rs1438596750, ClinGen allele CA674236484.
Genomic context (GRCh38, chr11:1,759,094, plus strand): 5'-TACCATTCTTCACGTAGGTGCTGGACTTGTCGCTGTTGTACTTGTGGTGGATCCCTGCCC[C>T]GGGCGACAAGGGGGCCCGCCGGTCATCCCGCAGCCCACGCCACGGCCTTAGCCCTCCCAT-3'